The following is an entry in ClinVar:

ClinVar aggregate classification (germline): Uncertain significance (1 of 4 stars; one submission).

Allele frequency attached by ClinVar (database versions not stated): gnomAD exomes below 0.00001; gnomAD 0.00001; 1000 Genomes Project 0.00020; 1000 Genomes Project 30x 0.00031.

Submission:

Labcorp Genetics (formerly Invitae), Labcorp
Classification: Uncertain significance. Last evaluated: 2024-02-24. Review status: criteria provided, single submitter. Criteria: Invitae Variant Classification Sherloc (09022015). Collection method: clinical testing. Allele origin: germline.
Comment: This sequence change replaces methionine, which is neutral and non-polar, with valine, which is neutral and non-polar, at codon 1394 of the ABCC8 protein (p.Met1394Val). The frequency data for this variant in the population databases is considered unreliable, as metrics indicate poor data quality at this position in the gnomAD database. This variant has not been reported in the literature in individuals affected with ABCC8-related conditions. ClinVar contains an entry for this variant (Variation ID: 1520966). Advanced modeling of protein sequence and biophysical properties (such as structural, functional, and spatial information, amino acid conservation, physicochemical variation, residue mobility, and thermodynamic stability) has been performed at Invitae for this missense variant, however the output from this modeling did not meet the statistical confidence thresholds required to predict the impact of this variant on ABCC8 protein function. In summary, the available evidence is currently insufficient to determine the role of this variant in disease. Therefore, it has been classified as a Variant of Uncertain Significance.

NM_000352.6(ABCC8):c.4180A>G (p.Met1394Val)

Gene: ABCC8 (ATP binding cassette subfamily C member 8; minus strand). Cytogenetic location: 11p15.1.
Variant type: single nucleotide variant.
Coding change: c.4180A>G on transcript NM_000352.6 (MANE Select); coding-DNA position 4180, A replaced by G.
Protein change: p.Met1394Val; replaces methionine 1394 with valine.
Molecular consequence: missense variant. On other transcripts: non-coding transcript variant (1).
Genome position (GRCh38, 1-based): chr11:17,395,870, T>C on the plus strand (A>G on the coding strand, the complement: ABCC8 is on the minus strand). VCF-style: chr11-17395870-T-C. GRCh37 (hg19) VCF-style: chr11-17417417-T-C.
Other names: c.4183A>G, p.Met1395Val (NM_001287174.3); c.4246A>G, p.Met1416Val (NM_001351295.2); c.4180A>G, p.Met1394Val (NM_001351296.2); c.4177A>G, p.Met1393Val (NM_001351297.2); short protein forms M1416V, M1393V, M1395V, M1394V.
Identifiers: ClinVar variation 1520966 (VCV001520966.6), dbSNP rs562677120, ClinGen allele CA218408197.
Genomic context (GRCh38, chr11:17,395,870, plus strand): 5'-GGTGGCTGTGGGTACACGTGGGGTGCCCGCCTTACAACTCACCTTCGAACGTGTCCACCA[T>C]GCGGAAGAAGGCAAGAGAGAAGGAGGACTTCCCACTGCCGGTGCGGCCGCAGATCCCGAT-3'
Protein context (NP_000343.2, residues 1384-1404): KSSFSLAFFR[Met1394Val]VDTFEGHIII